The following is an entry in ClinVar:

ClinVar aggregate classification (germline): Pathogenic (1 of 4 stars; one submission).

Conditions:
Ehlers-Danlos syndrome, type 4 (EDSVASC). Also called: Ehlers-Danlos syndrome vascular type; Ehlers Danlos syndrome, ecchymotic type; Ehlers Danlos syndrome, arterial type; Ehlers Danlos syndrome, Sack-Barabas type; Ehlers-Danlos Syndrome Type IV. Identifiers: Orphanet 286, MedGen C0268338, MONDO:0017314, OMIM 130050.

Submission:

Labcorp Genetics (formerly Invitae), Labcorp
Classification: Pathogenic for Ehlers-Danlos syndrome, type 4. Last evaluated: 2023-08-10. Review status: criteria provided, single submitter. Criteria: Invitae Variant Classification Sherloc (09022015). Collection method: clinical testing. Allele origin: unknown.
Comment: A gross deletion of the genomic region encompassing the full coding sequence of the COL3A1 gene has been identified. Loss-of-function variants in COL3A1 are known to be pathogenic (PMID: 24922459). The boundaries of this event are unknown as they extend beyond the assayed region for this gene and therefore may encompass additional genes. Isolated whole-gene deletions of COL3A1 have not been reported in the literature. However, larger copy number events that include this gene have been reported (PMID: 20648054). For these reasons, this variant has been classified as Pathogenic.

Literature cited by the submitters: PubMed 24922459; PubMed 20648054.

NC_000002.11:g.(?_189839216)_(190445186_?)del

Genes: COL3A1 (collagen type III alpha 1 chain; plus strand), COL5A2 (collagen type V alpha 2 chain; minus strand), SLC40A1 (solute carrier family 40 member 1; minus strand), WDR75 (WD repeat domain 75; plus strand). Cytogenetic location: 2q32.2.
Variant type: Deletion.
Identifiers: ClinVar variation 3247151 (VCV003247151.1).